The following is an entry in ClinVar:

NM_001083926.2(ASRGL1):c.333+6T>C

Gene: ASRGL1 (asparaginase and isoaspartyl peptidase 1; plus strand). Cytogenetic location: 11q12.3.
Variant type: single nucleotide variant.
Coding change: c.333+6T>C on transcript NM_001083926.2 (MANE Select); 6 bases into the intron after coding-DNA position 333, T replaced by C.
Molecular consequence: intron variant.
Genome position (GRCh38, 1-based): chr11:62,356,473, T>C. VCF-style: chr11-62356473-T-C. GRCh37 (hg19) VCF-style: chr11-62123945-T-C.
Other names: c.333+6T>C (NM_025080.4).
Identifiers: ClinVar variation 935407 (VCV000935407.7), dbSNP rs778797548, ClinGen allele CA6043152.
Genomic context (GRCh38, chr11:62,356,473, plus strand): 5'-CGCAGTCCAGTGTATAGCAAATCCCATTAAACTTGCTCGGCTTGTCATGGAAAAGGTATA[T>C]GTGACTAAAGCAGCCTTTTCCTAATGAATTGTTATTGTTATACTGCAGTGATAAGGGCTC-3'

ClinVar aggregate classification (germline): Uncertain significance (1 of 4 stars; one submission).

Allele frequency attached by ClinVar (database versions not stated): gnomAD 0.00004 and 0.00005; TOPMed 0.00007; ExAC 0.00011; gnomAD exomes 0.00012.
gnomAD v4.1: 37 of 1,614,044 alleles (0.0023%); highest among the groups gnomAD compares: East Asian, 0.078%; no homozygotes.

Submission:

Labcorp Genetics (formerly Invitae), Labcorp
Classification: Uncertain significance. Last evaluated: 2025-08-14. Review status: criteria provided, single submitter. Criteria: Invitae Variant Classification Sherloc (09022015). Collection method: clinical testing. Allele origin: germline.
Comment: This sequence change falls in intron 3 of the ASRGL1 gene. It does not directly change the encoded amino acid sequence of the ASRGL1 protein. It affects a nucleotide within the consensus splice site. This variant is present in population databases (rs778797548, gnomAD 0.1%), and has an allele count higher than expected for a pathogenic variant. This variant has not been reported in the literature in individuals affected with ASRGL1-related conditions. ClinVar contains an entry for this variant (Variation ID: 935407). Variants that disrupt the consensus splice site are a relatively common cause of aberrant splicing (PMID: 17576681, 9536098). Algorithms developed to predict the effect of sequence changes on RNA splicing suggest that this variant is not likely to affect RNA splicing. In summary, the available evidence is currently insufficient to determine the role of this variant in disease. Therefore, it has been classified as a Variant of Uncertain Significance.

Literature cited by the submitters: PubMed 17576681; PubMed 9536098.